The following is an entry in ClinVar:

NM_002691.4(POLD1):c.1350C>T (p.Ser450=)

Gene: POLD1 (DNA polymerase delta 1, catalytic subunit; plus strand). Cytogenetic location: 19q13.33.
Variant type: single nucleotide variant.
Coding change: c.1350C>T on transcript NM_002691.4 (MANE Select); coding-DNA position 1350, C replaced by T.
Protein change: p.Ser450=; no amino-acid change (serine 450 retained).
Molecular consequence: synonymous variant. On other transcripts: non-coding transcript variant (1).
Genome position (GRCh38, 1-based): chr19:50,406,289, C>T. VCF-style: chr19-50406289-C-T. GRCh37 (hg19) VCF-style: chr19-50909546-C-T.
Other names: c.1350C>T, p.Ser450= (NM_001256849.1, NM_001308632.1).
Identifiers: ClinVar variation 1447537 (VCV001447537.9), dbSNP rs2038876789, ClinGen allele CA508304783.

ClinVar aggregate classification (germline): Benign/Likely benign. Review status: criteria provided, multiple submitters, no conflicts (2 of 4 stars). 3 submissions from 3 submitters: Benign (1); Likely benign (2). Last evaluated 2025-02-06.

Conditions:
POLD1-related polyposis and colorectal cancer syndrome (CRCS10). Also called: Colorectal cancer 10; COLORECTAL CANCER, SUSCEPTIBILITY TO, ON CHROMOSOME 19q; Colorectal cancer, susceptibility to, 10. Identifiers: Orphanet 220460, MedGen C2675481, MONDO:0012953, OMIM 612591.
Hereditary cancer-predisposing syndrome. Also called: Neoplastic Syndromes, Hereditary; Tumor predisposition; Hereditary Cancer Syndrome; Hereditary neoplastic syndrome. Identifiers: Orphanet 140162, MedGen C0027672, MeSH D009386, MONDO:0015356.

Allele frequency attached by ClinVar (database versions not stated): gnomAD exomes below 0.00001.
gnomAD v4.1: 5 of 1,614,030 alleles (0.00031%); highest among the groups gnomAD compares: Non-Finnish European, 0.00042%; no homozygotes.

Submissions (3):

Myriad Genetics, Inc.
Classification: Benign for POLD1-related polyposis and colorectal cancer syndrome. Last evaluated: 2025-02-06. Review status: criteria provided, single submitter. Criteria: Myriad Autosomal Dominant, Autosomal Recessive and X-Linked Classification Criteria (2023). Collection method: clinical testing. Allele origin: unknown.
Comment: This variant is considered benign. This variant is a silent/synonymous amino acid change and it is not expected to impact splicing.

Labcorp Genetics (formerly Invitae), Labcorp
Classification: Likely benign for POLD1-related polyposis and colorectal cancer syndrome. Last evaluated: 2022-07-11. Review status: criteria provided, single submitter. Criteria: Invitae Variant Classification Sherloc (09022015). Collection method: clinical testing. Allele origin: germline.

Ambry Genetics
Classification: Likely benign for Hereditary cancer-predisposing syndrome. Last evaluated: 2020-10-25. Review status: criteria provided, single submitter. Criteria: Ambry Variant Classification Scheme 2023. Collection method: clinical testing. Allele origin: germline.